The following is an entry in ClinVar:

NM_138927.4(SON):c.58_59insGC (p.Ile20fs)

Gene: SON (SON DNA and RNA binding protein; plus strand). Cytogenetic location: 21q22.11.
Variant type: Insertion.
Coding change: c.58_59insGC on transcript NM_138927.4 (MANE Select); coding-DNA positions 58 to 59, GC inserted.
Protein change: p.Ile20fs; shifts the reading frame from isoleucine 20.
Molecular consequence: frameshift variant. On other transcripts: non-coding transcript variant (1).
Genome position: GRCh38 VCF-style: chr21-33543150-A-AGC. GRCh37 (hg19) VCF-style: chr21-34915456-A-AGC.
Other names: c.58_59insGC, p.Ile20fs (NM_001291411.2, NM_001291412.3, NM_032195.3); short protein forms I20fs.
Identifiers: ClinVar variation 504070 (VCV000504070.2), dbSNP rs1555896735, ClinGen allele CA658799415.

ClinVar aggregate classification (germline): Pathogenic (1 of 4 stars; one submission).

Submission:

GeneDx
Classification: Pathogenic. Last evaluated: 2018-01-18. Review status: criteria provided, single submitter. Criteria: GeneDx Variant Classification (06012015). Collection method: clinical testing. Allele origin: germline. Affected: yes.
Comment: The c.58_59insGC variant in the SON gene has not been reported previously as a pathogenic variant nor as a benign variant, to our knowledge. The c.58_59insGC variant causes a frameshift starting with codon Isoleucine 20, changes this amino acid to a Serine residue, and creates a premature Stop codon at position 15 of the new reading frame, denoted p.Ile20SerfsX15. This variant is predicted to cause loss of normal protein function either through protein truncation or nonsense-mediated mRNA decay. The c.58_59insGC variant is not observed in large population cohorts (Lek et al., 2016). We interpret c.58_59insGC as a pathogenic variant.